The following is an entry in ClinVar:

ClinVar aggregate classification (germline): Likely benign (1 of 4 stars; one submission).

Conditions:
AP4S1-related disorder.

Submission:

PreventionGenetics, part of Exact Sciences
Classification: Likely benign for AP4S1-related condition. Last evaluated: 2025-09-25. Review status: criteria provided, single submitter. Criteria: ACMG Guidelines, 2015. Collection method: clinical testing. Allele origin: germline.
Comment: This variant is classified as likely benign based on ACMG/AMP sequence variant interpretation guidelines (Richards et al. 2015 PMID: 25741868, with internal and published modifications).

NM_001128126.3(AP4S1):c.306+2931_306+2938del

Gene: AP4S1 (adaptor related protein complex 4 subunit sigma 1; plus strand). Cytogenetic location: 14q12.
Variant type: Deletion.
Coding change: c.306+2931_306+2938del on transcript NM_001128126.3 (MANE Select); bases 2931 to 2938 of the intron after coding-DNA position 306, 8 bases deleted (TTTTTTTT; older notation c.306+2931_306+2938delTTTTTTTT).
Molecular consequence: intron variant.
Genome position (GRCh38, 1-based): chr14:31,083,515-31,083,522, TTTTTTTT deleted; deleting any 8 consecutive bases within chr14:31,083,497-31,083,522 gives the same sequence; the c. name uses the placement nearest the transcript's 3' end. VCF-style (leftmost placement, unchanged base first): chr14-31083496-CTTTTTTTT-C. GRCh37 (hg19) VCF-style: chr14-31552702-CTTTTTTTT-C.
Other names: c.306+2931_306+2938del (NM_001254729.2, NM_001254728.2); c.367-11_367-4del (NM_001254727.2); c.367-1254_367-1247del (NM_007077.5); c.295-1254_295-1247del (NM_001254726.2).
Identifiers: ClinVar variation 4991699 (VCV004991699.1).